The following is an entry in ClinVar:

ClinVar aggregate classification (germline): Uncertain significance. Review status: criteria provided, multiple submitters, no conflicts (2 of 4 stars). 2 submissions from 2 submitters: Uncertain significance (2). Last evaluated 2024-08-30.

Conditions:
Myasthenic syndrome, congenital, 22 (CMS22). Also called: PREPL DEFICIENCY. Identifiers: MedGen C4479088, MONDO:0044299, OMIM 616224.

Allele frequency attached by ClinVar (database versions not stated): gnomAD 0.00001; ExAC 0.00002; gnomAD exomes 0.00002; TOPMed 0.00003; ESP Exome Variant Server 0.00008.
gnomAD v4.1: 33 of 1,612,964 alleles (0.002%); highest among the groups gnomAD compares: Non-Finnish European, 0.0027%; no homozygotes.

Submissions (2):

Labcorp Genetics (formerly Invitae), Labcorp
Classification: Uncertain significance for Myasthenic syndrome, congenital, 22. Last evaluated: 2024-08-30. Review status: criteria provided, single submitter. Criteria: Invitae Variant Classification Sherloc (09022015). Collection method: clinical testing. Allele origin: germline.
Comment: This sequence change replaces aspartic acid, which is acidic and polar, with valine, which is neutral and non-polar, at codon 229 of the PREPL protein (p.Asp229Val). This variant is present in population databases (rs367992937, gnomAD 0.005%). This variant has not been reported in the literature in individuals affected with PREPL-related conditions. ClinVar contains an entry for this variant (Variation ID: 1507702). Invitae Evidence Modeling of protein sequence and biophysical properties (such as structural, functional, and spatial information, amino acid conservation, physicochemical variation, residue mobility, and thermodynamic stability) indicates that this missense variant is not expected to disrupt PREPL protein function with a negative predictive value of 80%. In summary, the available evidence is currently insufficient to determine the role of this variant in disease. Therefore, it has been classified as a Variant of Uncertain Significance.

Blueprint Genetics
Classification: Uncertain significance. Last evaluated: 2024-04-25. Review status: criteria provided, single submitter. Criteria: ACMG Guidelines, 2015. Collection method: clinical testing. Allele origin: germline.

NM_001171613.2(PREPL):c.419A>T (p.Asp140Val)

Gene: PREPL (prolyl endopeptidase like; minus strand). Cytogenetic location: 2p21.
Variant type: single nucleotide variant.
Coding change: c.419A>T on transcript NM_001171613.2 (MANE Select); coding-DNA position 419, A replaced by T.
Protein change: p.Asp140Val; replaces aspartic acid 140 with valine.
Molecular consequence: missense variant.
Genome position (GRCh38, 1-based): chr2:44,342,483, T>A on the plus strand (A>T on the coding strand, the complement: PREPL is on the minus strand). VCF-style: chr2-44342483-T-A. GRCh37 (hg19) VCF-style: chr2-44569622-T-A.
Other names: c.686A>T, p.Asp229Val (NM_001042385.2, NM_001042386.2, NM_001171603.1 and 4 more transcripts); c.419A>T, p.Asp140Val (NM_001171617.1, NM_001374277.1); short protein forms D140V, D229V.
Identifiers: ClinVar variation 1507702 (VCV001507702.5), dbSNP rs367992937, ClinGen allele CA1641482.